The following is an entry in ClinVar:

NM_014694.4(ADAMTSL2):c.105A>G (p.Thr35=)

Gene: ADAMTSL2 (ADAMTS like 2; plus strand). Cytogenetic location: 9q34.2.
Variant type: single nucleotide variant.
Coding change: c.105A>G on transcript NM_014694.4 (MANE Select); coding-DNA position 105, A replaced by G.
Protein change: p.Thr35=; no amino-acid change (threonine 35 retained).
Molecular consequence: synonymous variant.
Genome position (GRCh38, 1-based): chr9:133,537,419, A>G. VCF-style: chr9-133537419-A-G. GRCh37 (hg19) VCF-style: chr9-136402541-A-G.
Other names: c.105A>G, p.Thr35= (NM_001145320.2).
Identifiers: ClinVar variation 3035152 (VCV003035152.2), dbSNP rs141636965, ClinGen allele CA5312486.

ClinVar aggregate classification (germline): Likely benign (0 of 4 stars; one submission).

Conditions:
ADAMTSL2-related disorder. Also called: ADAMTSL2-related condition.

Allele frequency attached by ClinVar (database versions not stated): gnomAD exomes 0.00018; ExAC 0.00085; ESP Exome Variant Server 0.00200; gnomAD 0.00255; 1000 Genomes Project 30x 0.00265; 1000 Genomes Project 0.00280; TOPMed 0.00286.

Submission:

PreventionGenetics, part of Exact Sciences
Classification: Likely benign for ADAMTSL2-related condition. Last evaluated: 2019-08-06. Review status: no assertion criteria provided. Collection method: clinical testing. Allele origin: germline.
Comment: This variant is classified as likely benign based on ACMG/AMP sequence variant interpretation guidelines (Richards et al. 2015 PMID: 25741868, with internal and published modifications).